The following is an entry in ClinVar:

ClinVar aggregate classification (germline): Uncertain significance (1 of 4 stars; one submission).

Allele frequency attached by ClinVar (database versions not stated): ExAC 0.00001; gnomAD 0.00001; gnomAD exomes 0.00001; TOPMed 0.00003.
gnomAD v4.1: 4 of 1,580,366 alleles (0.00025%); highest among the groups gnomAD compares: African/African-American, 0.0055%; no homozygotes.

Submission:

Labcorp Genetics (formerly Invitae), Labcorp
Classification: Uncertain significance. Last evaluated: 2022-06-13. Review status: criteria provided, single submitter. Criteria: Invitae Variant Classification Sherloc (09022015). Collection method: clinical testing. Allele origin: germline.
Comment: In summary, the available evidence is currently insufficient to determine the role of this variant in disease. Therefore, it has been classified as a Variant of Uncertain Significance. Algorithms developed to predict the effect of sequence changes on RNA splicing suggest that this variant may disrupt the consensus splice site. Algorithms developed to predict the effect of missense changes on protein structure and function (SIFT, PolyPhen-2, Align-GVGD) all suggest that this variant is likely to be tolerated. This variant has not been reported in the literature in individuals affected with DNAJC21-related conditions. This variant is present in population databases (rs758445833, gnomAD 0.01%). This sequence change replaces glutamine, which is neutral and polar, with glutamic acid, which is acidic and polar, at codon 395 of the DNAJC21 protein (p.Gln395Glu).

NM_001012339.3(DNAJC21):c.1183C>G (p.Gln395Glu)

Gene: DNAJC21 (DnaJ heat shock protein family (Hsp40) member C21; plus strand). Cytogenetic location: 5p13.2.
Variant type: single nucleotide variant.
Coding change: c.1183C>G on transcript NM_001012339.3 (MANE Select); coding-DNA position 1183, C replaced by G.
Protein change: p.Gln395Glu; replaces glutamine 395 with glutamic acid.
Molecular consequence: missense variant.
Genome position (GRCh38, 1-based): chr5:34,945,801, C>G. VCF-style: chr5-34945801-C-G. GRCh37 (hg19) VCF-style: chr5-34945906-C-G.
Other names: c.1222C>G, p.Gln408Glu (NM_001348420.2); c.1183C>G, p.Gln395Glu (NM_194283.4); short protein forms Q395E, Q408E.
Identifiers: ClinVar variation 1462819 (VCV001462819.8), dbSNP rs758445833, ClinGen allele CA3228739.